The following is an entry in ClinVar:

ClinVar aggregate classification (germline): Pathogenic (1 of 4 stars; one submission).

Submission:

GeneDx
Classification: Pathogenic. Last evaluated: 2017-01-19. Review status: criteria provided, single submitter. Criteria: GeneDx Variant Classification (06012015). Collection method: clinical testing. Allele origin: germline. Affected: yes.
Comment: The Q35X variant in the NONO gene has not been reported previously as a pathogenic variant nor as a benign variant, to our knowledge. This variant is predicted to cause loss of normal protein function either through protein truncation or nonsense-mediated mRNA decay. The Q35X variant was not observed in approximately 6400 individuals of European and African American ancestry in the NHLBI Exome Sequencing Project, indicating it is not a common benign variant in these populations. We interpret Q35X as a pathogenic variant.

NM_007363.5(NONO):c.103C>T (p.Gln35Ter)

Gene: NONO (non-POU domain containing octamer binding; plus strand). Cytogenetic location: Xq13.1.
Variant type: single nucleotide variant.
Coding change: c.103C>T on transcript NM_007363.5 (MANE Select); coding-DNA position 103, C replaced by T.
Protein change: p.Gln35Ter; replaces glutamine 35 with a stop codon.
Molecular consequence: nonsense. On other transcripts: intron variant (1).
Genome position (GRCh38, 1-based): chrX:71,290,740, C>T. VCF-style: chrX-71290740-C-T. GRCh37 (hg19) VCF-style: chrX-70510590-C-T.
Other names: c.-113-1039C>T (NM_001145410.2); c.103C>T, p.Gln35Ter (NM_001145408.2, NM_001145409.2); short protein forms Q35*.
Identifiers: ClinVar variation 392246 (VCV000392246.2), dbSNP rs1057524408, ClinGen allele CA16608924.